The following is an entry in ClinVar:

NM_020702.5(MYORG):c.1698_1699del (p.Asp567fs)

Gene: MYORG (myogenesis regulating glycosidase; minus strand). Cytogenetic location: 9p13.3.
Variant type: Deletion.
Coding change: c.1698_1699del on transcript NM_020702.5 (MANE Select); coding-DNA positions 1698 to 1699, 2 bases deleted (CG; older notation c.1698_1699delCG).
Protein change: p.Asp567fs; shifts the reading frame from aspartic acid 567.
Molecular consequence: frameshift variant.
Genome position (GRCh38, 1-based): chr9:34,371,245-34,371,246, CG deleted on the plus strand (CG on the coding strand, the reverse complement: MYORG is on the minus strand); deleting any 2 consecutive bases within chr9:34,371,245-34,371,247 gives the same sequence; the c. name uses the placement nearest the transcript's 3' end. VCF-style (leftmost placement, unchanged base first): chr9-34371244-TCG-T. GRCh37 (hg19) VCF-style: chr9-34371242-TCG-T.
Other names: short protein forms D567fs.
Identifiers: ClinVar variation 3048355 (VCV003048355.2), dbSNP rs2491649501, ClinGen allele CA2740095467.

ClinVar aggregate classification (germline): Likely pathogenic (0 of 4 stars; one submission).

Conditions:
MYORG-related disorder. Also called: MYORG-related condition.

Submission:

PreventionGenetics, part of Exact Sciences
Classification: Likely pathogenic for MYORG-related condition. Last evaluated: 2024-02-29. Review status: no assertion criteria provided. Collection method: clinical testing. Allele origin: germline.
Comment: The MYORG c.1698_1699delCG variant is predicted to result in a frameshift and premature protein termination (p.Asp567Cysfs*54). To our knowledge, this variant has not been reported in the literature or in a large population database, indicating this variant is rare. Frameshift variants in MYORG are expected to be pathogenic. This variant is interpreted as likely pathogenic.